The following is an entry in ClinVar:

NM_002972.4(SBF1):c.5005C>G (p.Pro1669Ala)

Gene: SBF1 (SET binding factor 1; minus strand). Cytogenetic location: 22q13.33.
Variant type: single nucleotide variant.
Coding change: c.5005C>G on transcript NM_002972.4 (MANE Select); coding-DNA position 5005, C replaced by G.
Protein change: p.Pro1669Ala; replaces proline 1669 with alanine.
Molecular consequence: missense variant.
Genome position (GRCh38, 1-based): chr22:50,454,550, G>C on the plus strand (C>G on the coding strand, the complement: SBF1 is on the minus strand). VCF-style: chr22-50454550-G-C. GRCh37 (hg19) VCF-style: chr22-50892979-G-C.
Other names: c.4930C>G, p.Pro1644Ala (NM_001365819.1); short protein forms P1644A, P1669A.
Identifiers: ClinVar variation 1487400 (VCV001487400.5), dbSNP rs2067171480, ClinGen allele CA412191140.
Genomic context (GRCh38, chr22:50,454,550, plus strand): 5'-CCTGCTCTGGGATCACACGCACCTCCAGCAGGCGTGAGATGGCGTCAGGCTGGGCCCGCG[G>C]GCAGCTGTCGTAACAGGGCCACACCACGCGGCGCCTGCTCTGGGGAGCGCCTCCATCAGA-3'
Protein context (NP_002963.2, residues 1659-1679): RVVWPCYDSC[Pro1669Ala]RAQPDAISRL

ClinVar aggregate classification (germline): Uncertain significance (1 of 4 stars; one submission).

Allele frequency attached by ClinVar (database versions not stated): TOPMed 0.00001.

Submission:

Labcorp Genetics (formerly Invitae), Labcorp
Classification: Uncertain significance. Last evaluated: 2021-11-01. Review status: criteria provided, single submitter. Criteria: Invitae Variant Classification Sherloc (09022015). Collection method: clinical testing. Allele origin: germline.
Comment: In summary, the available evidence is currently insufficient to determine the role of this variant in disease. Therefore, it has been classified as a Variant of Uncertain Significance. Algorithms developed to predict the effect of missense changes on protein structure and function (SIFT, PolyPhen-2, Align-GVGD) all suggest that this variant is likely to be tolerated. This variant has not been reported in the literature in individuals affected with SBF1-related conditions. This variant is not present in population databases (gnomAD no frequency). This sequence change replaces proline, which is neutral and non-polar, with alanine, which is neutral and non-polar, at codon 1669 of the SBF1 protein (p.Pro1669Ala).